The following is an entry in ClinVar:

ClinVar aggregate classification (germline): Likely pathogenic (1 of 4 stars; one submission).

Submission:

GeneDx
Classification: Likely pathogenic. Last evaluated: 2019-12-13. Review status: criteria provided, single submitter. Criteria: GeneDx Variant Classification Process June 2021. Collection method: clinical testing. Allele origin: germline. Affected: yes.
Comment: Not observed in large population cohorts (Lek et al., 2016); In silico analysis, which includes protein predictors and evolutionary conservation, supports a deleterious effect; Has not been previously published as pathogenic or benign to our knowledge

NM_001845.6(COL4A1):c.3497G>T (p.Gly1166Val)

Gene: COL4A1 (collagen type IV alpha 1 chain; minus strand). Cytogenetic location: 13q34.
Variant type: single nucleotide variant.
Coding change: c.3497G>T on transcript NM_001845.6 (MANE Select); coding-DNA position 3497, G replaced by T.
Protein change: p.Gly1166Val; replaces glycine 1166 with valine.
Molecular consequence: missense variant.
Genome position (GRCh38, 1-based): chr13:110,173,908, C>A on the plus strand (G>T on the coding strand, the complement: COL4A1 is on the minus strand). VCF-style: chr13-110173908-C-A. GRCh37 (hg19) VCF-style: chr13-110826255-C-A.
Other names: short protein forms G1166V.
Identifiers: ClinVar variation 427139 (VCV000427139.3), dbSNP rs1085307982, ClinGen allele CA388664114.